The following is an entry in ClinVar:

ClinVar aggregate classification (germline): Likely benign. Review status: criteria provided, multiple submitters, no conflicts (2 of 4 stars). 3 submissions from 3 submitters: Likely benign (3). Last evaluated 2024-10-06.

Conditions:
Cardiovascular phenotype. Identifiers: MedGen CN230736.

Allele frequency attached by ClinVar (database versions not stated): gnomAD exomes below 0.00001 and 0.00001; gnomAD 0.00001 and 0.00002; ExAC 0.00002; TOPMed 0.00002; 1000 Genomes Project 30x 0.00016; 1000 Genomes Project 0.00020.
gnomAD v4.1: 21 of 1,614,180 alleles (0.0013%); highest among the groups gnomAD compares: Middle Eastern, 0.049%; no homozygotes.

Submissions (3):

Women's Health and Genetics/Laboratory Corporation of America, LabCorp
Classification: Likely benign. Last evaluated: 2024-10-06. Review status: criteria provided, single submitter. Criteria: LabCorp Variant Classification Summary - May 2015. Collection method: clinical testing. Allele origin: germline.

Ambry Genetics
Classification: Likely benign for Cardiovascular phenotype. Last evaluated: 2022-10-11. Review status: criteria provided, single submitter. Criteria: Ambry Variant Classification Scheme 2023. Collection method: clinical testing. Allele origin: germline.

GeneDx
Classification: Likely benign. Last evaluated: 2017-12-04. Review status: criteria provided, single submitter. Criteria: GeneDx Variant Classification (06012015). Collection method: clinical testing. Allele origin: germline. Affected: yes.
Comment: This variant is considered likely benign or benign based on one or more of the following criteria: it is a conservative change, it occurs at a poorly conserved position in the protein, it is predicted to be benign by multiple in silico algorithms, and/or has population frequency not consistent with disease.

NM_000890.5(KCNJ5):c.90C>T (p.Arg30=)

Gene: KCNJ5 (potassium inwardly rectifying channel subfamily J member 5; plus strand). Cytogenetic location: 11q24.3.
Variant type: single nucleotide variant.
Coding change: c.90C>T on transcript NM_000890.5 (MANE Select); coding-DNA position 90, C replaced by T.
Protein change: p.Arg30=; no amino-acid change (arginine 30 retained).
Molecular consequence: synonymous variant.
Genome position (GRCh38, 1-based): chr11:128,911,363, C>T. VCF-style: chr11-128911363-C-T. GRCh37 (hg19) VCF-style: chr11-128781258-C-T.
Other names: c.90C>T (LRG_333t1); c.90C>T, p.Arg30= (NM_001354169.2).
Identifiers: ClinVar variation 513817 (VCV000513817.4), dbSNP rs201886526, ClinGen allele CA6357818.